The following is an entry in ClinVar:

ClinVar aggregate classification (germline): Conflicting classifications of pathogenicity. Review status: criteria provided, conflicting classifications (1 of 4 stars). 2 submissions from 2 submitters: Pathogenic (1); Uncertain significance (1). Last evaluated 2021-03-17.

Conditions:
X-linked intellectual disability, van Esch type. Also called: MENTAL RETARDATION, X-LINKED, SYNDROMIC, VAN ESCH-O''DRISCOLL TYPE; Van Esch-O'Driscoll syndrome. Identifiers: Orphanet 163976, MedGen C4305072, MONDO:0015601, OMIM 301030.

Submissions (2):

Division of Medical Genetics, Department of Pediatrics, All India Institute of Medical Sciences, New Delhi
Classification: Pathogenic for X-linked intellectual disability, van Esch type. Last evaluated: 2021-03-17. Review status: criteria provided, single submitter. Criteria: ACMG Guidelines, 2015. Collection method: clinical testing. Allele origin: germline. Inheritance: X-linked recessive inheritance. Affected: yes. Observed: 1 variant allele, 1 hemizygote.
Comment: The splice variant-c.445-2A>T is leading to exon 6 skipping and a smaller transcript in addition to the normal transcript. The variant also resulted in decreased POLA1 gene expression

Juno Genomics, Hangzhou Juno Genomics, Inc
Classification: Uncertain significance for X-linked intellectual disability, van Esch type. Review status: criteria provided, single submitter. Criteria: ACMG Guidelines, 2015. Collection method: clinical testing. Allele origin: germline. Affected: yes.
Comment: Absent from controls (or at extremely low frequency if recessive) in Genome Aggregation Database, Exome Sequencing Project, 1000 Genomes Project, or Exome Aggregation Consortium.;Null variant in a gene where loss of function (LOF) is a known mechanism of disease.;The prevalence of the variant in affected individuals is significantly increased compared to the prevalence in controls.;Patient's phenotype or family history is highly specific for a disease with a single genetic etiology.

NM_001330360.2(POLA1):c.463-2A>T

Gene: POLA1 (DNA polymerase alpha 1, catalytic subunit; plus strand). Cytogenetic location: Xp22.11.
Variant type: single nucleotide variant.
Coding change: c.463-2A>T on transcript NM_001330360.2 (MANE Select); the canonical splice acceptor site of the intron before coding-DNA position 463, A replaced by T.
Molecular consequence: splice acceptor variant.
Genome position (GRCh38, 1-based): chrX:24,715,139, A>T. VCF-style: chrX-24715139-A-T. GRCh37 (hg19) VCF-style: chrX-24733256-A-T.
Other names: c.463-2A>T (NM_001378303.1); c.445-2A>T (NM_016937.4).
Identifiers: ClinVar variation 1172688 (VCV001172688.4), dbSNP rs2148341850, ClinGen allele CA412527407.